The following is an entry in ClinVar:

ClinVar aggregate classification (germline): Uncertain significance. Review status: criteria provided, multiple submitters, no conflicts (2 of 4 stars). 2 submissions from 2 submitters: Uncertain significance (2). Last evaluated 2024-09-08.

Conditions:
Muscular dystrophy-dystroglycanopathy (congenital with brain and eye anomalies), type a, 8 (MDDGA8). Also called: WALKER-WARBURG SYNDROME OR MUSCLE-EYE-BRAIN DISEASE, GTDC2-RELATED. Identifiers: Orphanet 899, MedGen C3553813, MONDO:0013904, OMIM 614830.
Inborn genetic diseases. Identifiers: MedGen C0950123, MeSH D030342.

Allele frequency attached by ClinVar (database versions not stated): gnomAD exomes below 0.00001 and 0.00001; ExAC 0.00001; gnomAD 0.00001; TOPMed 0.00001.

Submissions (2):

Ambry Genetics
Classification: Uncertain significance for Inborn genetic diseases. Last evaluated: 2024-09-08. Review status: criteria provided, single submitter. Criteria: Ambry Variant Classification Scheme 2023. Collection method: clinical testing. Allele origin: germline.

Labcorp Genetics (formerly Invitae), Labcorp
Classification: Uncertain significance for Muscular dystrophy-dystroglycanopathy (congenital with brain and eye anomalies), type a, 8. Last evaluated: 2022-07-06. Review status: criteria provided, single submitter. Criteria: Invitae Variant Classification Sherloc (09022015). Collection method: clinical testing. Allele origin: germline.
Comment: In summary, the available evidence is currently insufficient to determine the role of this variant in disease. Therefore, it has been classified as a Variant of Uncertain Significance. Algorithms developed to predict the effect of missense changes on protein structure and function (SIFT, PolyPhen-2, Align-GVGD) all suggest that this variant is likely to be tolerated. ClinVar contains an entry for this variant (Variation ID: 566176). This variant has not been reported in the literature in individuals affected with POMGNT2-related conditions. This variant is present in population databases (rs376220705, gnomAD 0.02%). This sequence change replaces asparagine, which is neutral and polar, with aspartic acid, which is acidic and polar, at codon 88 of the POMGNT2 protein (p.Asn88Asp).

NM_032806.6(POMGNT2):c.262A>G (p.Asn88Asp)

Gene: POMGNT2 (protein O-linked mannose N-acetylglucosaminyltransferase 2 (beta 1,4-); minus strand). Cytogenetic location: 3p22.1.
Variant type: single nucleotide variant.
Coding change: c.262A>G on transcript NM_032806.6 (MANE Select); coding-DNA position 262, A replaced by G.
Protein change: p.Asn88Asp; replaces asparagine 88 with aspartic acid.
Molecular consequence: missense variant.
Genome position (GRCh38, 1-based): chr3:43,081,170, T>C on the plus strand (A>G on the coding strand, the complement: POMGNT2 is on the minus strand). VCF-style: chr3-43081170-T-C. GRCh37 (hg19) VCF-style: chr3-43122662-T-C.
Other names: c.262A>G (NM_032806.4); short protein forms N88D.
Identifiers: ClinVar variation 566176 (VCV000566176.6), dbSNP rs376220705, ClinGen allele CA2340117.
Genomic context (GRCh38, chr3:43,081,170, plus strand): 5'-CCAGGTTGGGCAGCATGACAGAGGTGTTGCCATGGAAGAAGATGAACTCCTCAGCCTCGT[T>C]GGAGTAGCAGAGCCACTTGAAGCGGCAGATGCGGTCTGTGTGCGTGCGGCCCGTGCACAC-3'
Protein context (NP_116195.2, residues 78-98): ICRFKWLCYS[Asn88Asp]EAEEFIFFHG